The following is an entry in ClinVar:

ClinVar aggregate classification (germline): Uncertain significance (1 of 4 stars; one submission).

Submission:

Labcorp Genetics (formerly Invitae), Labcorp
Classification: Uncertain significance. Last evaluated: 2022-02-05. Review status: criteria provided, single submitter. Criteria: Invitae Variant Classification Sherloc (09022015). Collection method: clinical testing. Allele origin: germline.
Comment: This variant has not been reported in the literature in individuals affected with POLR1A-related conditions. In summary, the available evidence is currently insufficient to determine the role of this variant in disease. Therefore, it has been classified as a Variant of Uncertain Significance. Algorithms developed to predict the effect of missense changes on protein structure and function are either unavailable or do not agree on the potential impact of this missense change (SIFT: "Not Available"; PolyPhen-2: "Probably Damaging"; Align-GVGD: "Not Available"). This variant is not present in population databases (gnomAD no frequency). This sequence change replaces cysteine, which is neutral and slightly polar, with arginine, which is basic and polar, at codon 1649 of the POLR1A protein (p.Cys1649Arg).

NM_015425.6(POLR1A):c.4945T>C (p.Cys1649Arg)

Gene: POLR1A (RNA polymerase I subunit A; minus strand). Cytogenetic location: 2p11.2.
Variant type: single nucleotide variant.
Coding change: c.4945T>C on transcript NM_015425.6 (MANE Select); coding-DNA position 4945, T replaced by C.
Protein change: p.Cys1649Arg; replaces cysteine 1649 with arginine.
Molecular consequence: missense variant.
Genome position (GRCh38, 1-based): chr2:86,028,002, A>G on the plus strand (T>C on the coding strand, the complement: POLR1A is on the minus strand). VCF-style: chr2-86028002-A-G. GRCh37 (hg19) VCF-style: chr2-86255125-A-G.
Other names: short protein forms C1649R.
Identifiers: ClinVar variation 1347172 (VCV001347172.8), dbSNP rs2104376444, ClinGen allele CA347544381.